The following is an entry in ClinVar:

NC_000011.9:g.(?_67374406)_(67380026_?)dup

Gene: NDUFV1 (NADH:ubiquinone oxidoreductase core subunit V1; plus strand). Cytogenetic location: 11q13.2.
Variant type: Duplication.
Identifiers: ClinVar variation 4887447 (VCV004887447.1).

ClinVar aggregate classification (germline): Uncertain significance (1 of 4 stars; one submission).

Submission:

Women's Health and Genetics/Laboratory Corporation of America, LabCorp
Classification: Uncertain significance. Last evaluated: 2026-06-08. Review status: criteria provided, single submitter. Criteria: LabCorp Variant Classification Summary - May 2015. Collection method: clinical testing. Allele origin: germline.
Comment: Variant summary: The variant involves the duplication of exons 1-10 in the NDUFV1 gene. A presumed nomenclature of c.(?_-70)_(*97_?)dup has been designated for the purposes of this classification. This duplication includes the entire coding sequence of the gene. As exact breakpoints are unknown, it may extend beyond the annotated region of the gene, to include other flanking genes. The duplication of the NDUFV1 gene in isolation was absent in in the gnomAD database (Structural Variants datasets). However, larger duplications which include the gene (together with other flanking genes) were found, e.g. a duplication (size 411,897 bp) was found at a frequency of 0.00078 in 21694 control chromosomes in the gnomAD database (Structural Variants v2.1 dataset). This frequency is not significantly higher than estimated for disease-causing variants in NDUFV1, allowing no conclusion about variant significance. To our knowledge, no occurrence of c.(?_-70)_(*97_?)dup in individuals affected with NDUFV1-related conditions and no experimental evidence demonstrating its impact on protein function have been reported. ClinVar contains an entry for this variant (Variation ID: 2425686). Based on the evidence outlined above, the variant was classified as uncertain significance.